The following is an entry in ClinVar:

ClinVar aggregate classification (germline): Uncertain significance. Review status: criteria provided, multiple submitters, no conflicts (2 of 4 stars). 2 submissions from 2 submitters: Uncertain significance (2). Last evaluated 2025-07-30.

Conditions:
Polycystic liver disease 1 (PCLD1). Also called: Polycystic liver disease 1 with or without kidney cysts. Identifiers: Orphanet 2924, MedGen C0887850, MONDO:0008265, OMIM 174050.

Submissions (2):

Labcorp Genetics (formerly Invitae), Labcorp
Classification: Uncertain significance. Last evaluated: 2025-07-30. Review status: criteria provided, single submitter. Criteria: Invitae Variant Classification Sherloc (09022015). Collection method: clinical testing. Allele origin: germline.
Comment: This variant, c.951_1001dup, results in the insertion of 17 amino acid(s) of the PRKCSH protein (p.Glu317_Glu333dup), but otherwise preserves the integrity of the reading frame. This variant is not present in population databases (gnomAD no frequency). This variant has not been reported in the literature in individuals affected with PRKCSH-related conditions. ClinVar contains an entry for this variant (Variation ID: 2165596). Experimental studies and prediction algorithms are not available or were not evaluated, and the functional significance of this variant is currently unknown. In summary, the available evidence is currently insufficient to determine the role of this variant in disease. Therefore, it has been classified as a Variant of Uncertain Significance.

Fulgent Genetics
Classification: Uncertain significance for Polycystic liver disease 1. Last evaluated: 2024-02-10. Review status: criteria provided, single submitter. Criteria: ACMG Guidelines, 2015. Collection method: clinical testing. Allele origin: germline.

NM_001289104.2(PRKCSH):c.951_1001dup (p.Glu333_Asp334insGluGluGluGluGluGluGluGluGluAlaGluGluGluGluGluGluGlu)

Gene: PRKCSH (PRKCSH beta subunit of glucosidase II; plus strand). Cytogenetic location: 19p13.2.
Variant type: Duplication.
Coding change: c.951_1001dup on transcript NM_001289104.2 (MANE Select); coding-DNA positions 951 to 1001, 51 bases duplicated.
Protein change: p.Glu333_Asp334insGluGluGluGluGluGluGluGluGluAlaGluGluGluGluGluGluGlu.
Molecular consequence: inframe insertion.
Genome position (GRCh38, 1-based): chr19:11,447,540-11,447,590, 51 bases duplicated. GRCh37 (hg19): chr19:11,558,355-11,558,405.
Other names: c.951_1001dup, p.Glu333_Asp334insGluGluGluGluGluGluGluGluGluAlaGluGluGluGluGluGluGlu (NM_001001329.3, NM_001289102.2, NM_001289103.2 and 3 more transcripts).
Identifiers: ClinVar variation 2165596 (VCV002165596.5), dbSNP rs1970370658, ClinGen allele CA993549749.